The following is an entry in ClinVar:

NM_170662.5(CBLB):c.2689+2del

Gene: CBLB (Cbl proto-oncogene B; minus strand). Cytogenetic location: 3q13.11.
Variant type: Deletion.
Coding change: c.2689+2del on transcript NM_170662.5 (MANE Select); the canonical splice donor site of the intron after coding-DNA position 2689, one base deleted (T; older notation c.2689+2delT).
Molecular consequence: splice donor variant.
Genome position (GRCh38, 1-based): chr3:105,670,231, A deleted on the plus strand (T on the coding strand, the reverse complement: CBLB is on the minus strand). VCF-style (leftmost placement, unchanged base first): chr3-105670230-CA-C. GRCh37 (hg19) VCF-style: chr3-105389074-CA-C.
Other names: c.2410+2del (NM_001321797.2, NM_001321799.2, NM_001321798.2); c.2542+2del (NM_001321794.2, NM_001321795.2, NM_001321796.2); c.2557+2del (NM_001321791.2, NM_001321793.2); c.2689+2del (NM_001321788.2); c.1777+2del (NM_001321808.2); c.1369+2del (NM_001321820.2); c.1630+2del (NM_001321816.2); c.1762+2del (NM_001321811.2, NM_001321813.1); and 6 more.
Identifiers: ClinVar variation 4849425 (VCV004849425.1).

ClinVar aggregate classification (germline): Likely pathogenic (1 of 4 stars; one submission).

Conditions:
Autoimmune disease, multisystem, infantile-onset, 3 (ADMIO3). Also called: CBLB DEFICIENCY. Identifiers: MedGen C5830600, MONDO:0957388, OMIM 620430.

Submission:

First Genomix Gene Laboratory, Genetic Diagnostics Department
Classification: Likely pathogenic for Autoimmune disease, multisystem, infantile-onset, 3. Last evaluated: 2025-05-30. Review status: criteria provided, single submitter. Criteria: ACMG Guidelines, 2015. Collection method: clinical testing. Allele origin: germline. Inheritance: Autosomal recessive inheritance. Affected: no. Observed: 1 variant allele.